The following is an entry in ClinVar:

ClinVar aggregate classification (germline): Conflicting classifications of pathogenicity. Review status: criteria provided, conflicting classifications (1 of 4 stars). 8 submissions from 8 submitters: Uncertain significance (6); Benign (1). 1 of the submissions does not count toward it. Last evaluated 2026-02-27.

Conditions:
SYNE2-related disorder. Also called: SYNE2-related condition.
Emery-Dreifuss muscular dystrophy 5, autosomal dominant (EDMD5). Also called: EMERY-DREIFUSS MUSCULAR DYSTROPHY 5. Identifiers: Orphanet 261, MedGen C2751805, MONDO:0013072, OMIM 612999.

Allele frequency attached by ClinVar (database versions not stated): 1000 Genomes Project 30x 0.00016; 1000 Genomes Project 0.00020; gnomAD 0.00033 and 0.00036; TOPMed 0.00037; ESP Exome Variant Server 0.00038; ExAC 0.00039.
gnomAD v4.1: 522 of 1,614,006 alleles (0.032%); highest among the groups gnomAD compares: Non-Finnish European, 0.04%; no homozygotes.

Submissions (8):

Women's Health and Genetics/Laboratory Corporation of America, LabCorp
Classification: Uncertain significance. Last evaluated: 2026-02-27. Review status: criteria provided, single submitter. Criteria: LabCorp Variant Classification Summary - May 2015. Collection method: clinical testing. Allele origin: germline.
Comment: Variant summary: SYNE2 c.15857A>G (p.Tyr5286Cys) results in a non-conservative amino acid change located in the Spectrin/alpha-actinin repeat region (IPR018159) of the encoded protein sequence. Algorithms developed to predict the effect of missense changes on protein structure and function are either unavailable or do not agree on the potential impact of this missense change. The variant allele was found at a frequency of 0.00033 in 250952 control chromosomes, predominantly at a frequency of 0.00056 within the Non-Finnish European subpopulation in the gnomAD database. The occurrence in numerous carriers suggests that this variant is likely not associated with a high penetrance, severe, early onset disease phenotype in heterozygous state. To our knowledge, no occurrence of c.15857A>G in individuals affected with SYNE2-related conditions and no experimental evidence demonstrating its impact on protein function have been reported. ClinVar contains an entry for this variant (Variation ID: 198965). Based on the evidence outlined above, the variant was classified as VUS-possibly benign.

Labcorp Genetics (formerly Invitae), Labcorp
Classification: Uncertain significance for Emery-Dreifuss muscular dystrophy 5, autosomal dominant. Last evaluated: 2026-01-20. Review status: criteria provided, single submitter. Criteria: Invitae Variant Classification Sherloc (09022015). Collection method: clinical testing. Allele origin: germline.
Comment: This sequence change replaces tyrosine, which is neutral and polar, with cysteine, which is neutral and slightly polar, at codon 5286 of the SYNE2 protein (p.Tyr5286Cys). This variant is present in population databases (rs149354607, gnomAD 0.06%), and has an allele count higher than expected for a pathogenic variant. This variant has not been reported in the literature in individuals affected with SYNE2-related conditions. ClinVar contains an entry for this variant (Variation ID: 198965). An algorithm developed to predict the effect of missense changes on protein structure and function outputs the following: PolyPhen-2: "Benign". The cysteine amino acid residue is found in multiple mammalian species, which suggests that this missense change does not adversely affect protein function. In summary, the available evidence is currently insufficient to determine the role of this variant in disease. Therefore, it has been classified as a Variant of Uncertain Significance.

Athena Diagnostics
Classification: Uncertain significance. Last evaluated: 2022-02-21. Review status: criteria provided, single submitter. Criteria: Athena Diagnostics Criteria. Collection method: clinical testing. Allele origin: unknown.

Ambry Genetics
Classification: Uncertain significance. Last evaluated: 2021-08-02. Review status: criteria provided, single submitter. Criteria: Ambry Variant Classification Scheme 2023. Collection method: clinical testing. Allele origin: germline.

Revvity Omics, Revvity
Classification: Uncertain significance for Emery-Dreifuss muscular dystrophy 5, autosomal dominant. Last evaluated: 2019-03-26. Review status: criteria provided, single submitter. Criteria: ACMG Guidelines, 2015. Collection method: clinical testing. Allele origin: germline.

Illumina Laboratory Services, Illumina
Classification: Benign for Emery-Dreifuss muscular dystrophy 5, autosomal dominant. Last evaluated: 2018-01-12. Review status: criteria provided, single submitter. Criteria: ICSL Variant Classification Criteria 13 December 2019. Collection method: clinical testing. Allele origin: germline.
Comment: This variant was observed in the ICSL laboratory as part of a predisposition screen in an ostensibly healthy population. It had not been previously curated by ICSL or reported in the Human Gene Mutation Database (HGMD: prior to June 1st, 2018), and was therefore a candidate for classification through an automated scoring system. Utilizing variant allele frequency, disease prevalence and penetrance estimates, and inheritance mode, an automated score was calculated to assess if this variant is too frequent to cause the disease. Based on the score and internal cut-off values, a variant classified as benign is not then subjected to further curation. The score for this variant resulted in a classification of benign for this disease.

Eurofins Ntd Llc (ga)
Classification: Uncertain significance. Last evaluated: 2015-03-03. Review status: criteria provided, single submitter. Criteria: EGL Classification Definitions 2015. Collection method: clinical testing. Allele origin: germline. Observed: 2 variant alleles, 2 heterozygotes.

PreventionGenetics, part of Exact Sciences
Classification: Likely benign for SYNE2-related condition. Last evaluated: 2024-03-02. Review status: no assertion criteria provided. Collection method: clinical testing. Allele origin: germline. Not counted in ClinVar's aggregate classification.
Comment: This variant is classified as likely benign based on ACMG/AMP sequence variant interpretation guidelines (Richards et al. 2015 PMID: 25741868, with internal and published modifications).

NM_182914.3(SYNE2):c.15857A>G (p.Tyr5286Cys)

Gene: SYNE2 (spectrin repeat containing nuclear envelope protein 2; plus strand). Cytogenetic location: 14q23.2.
Variant type: single nucleotide variant.
Coding change: c.15857A>G on transcript NM_182914.3 (MANE Select); coding-DNA position 15857, A replaced by G.
Protein change: p.Tyr5286Cys; replaces tyrosine 5286 with cysteine.
Molecular consequence: missense variant.
Genome position (GRCh38, 1-based): chr14:64,158,689, A>G. VCF-style: chr14-64158689-A-G. GRCh37 (hg19) VCF-style: chr14-64625407-A-G.
Other names: c.15857A>G, p.Tyr5286Cys (NM_015180.6); short protein forms Y5286C.
Identifiers: ClinVar variation 198965 (VCV000198965.27), dbSNP rs149354607, ClinGen allele CA247903.